The following is an entry in ClinVar:

NM_206933.4(USH2A):c.14365C>T (p.Gln4789Ter)

Gene: USH2A (usherin; minus strand). Cytogenetic location: 1q41.
Variant type: single nucleotide variant.
Coding change: c.14365C>T on transcript NM_206933.4 (MANE Select); coding-DNA position 14365, C replaced by T.
Protein change: p.Gln4789Ter; replaces glutamine 4789 with a stop codon.
Molecular consequence: nonsense.
Genome position (GRCh38, 1-based): chr1:215,648,745, G>A on the plus strand (C>T on the coding strand, the complement: USH2A is on the minus strand). VCF-style: chr1-215648745-G-A. GRCh37 (hg19) VCF-style: chr1-215822087-G-A.
Other names: short protein forms Q4789*.
Identifiers: ClinVar variation 816987 (VCV000816987.4), dbSNP rs1571929573, ClinGen allele CA344834202.

ClinVar aggregate classification (germline): Pathogenic. Review status: criteria provided, multiple submitters, no conflicts (2 of 4 stars). 3 submissions from 3 submitters: Pathogenic (3). Last evaluated 2023-11-04.

Conditions:
Usher syndrome type 2A. Also called: RETINAL DISEASE IN USHER SYNDROME TYPE IIA, MODIFIER OF; USHER SYNDROME, TYPE IIA. Identifiers: Orphanet 231178, Orphanet 886, MedGen C1848634, MONDO:0010169, OMIM 276901.

Submissions (3):

Genome-Nilou Lab
Classification: Pathogenic for Usher syndrome type 2A. Last evaluated: 2023-11-04. Review status: criteria provided, single submitter. Criteria: ACMG Guidelines, 2015. Collection method: clinical testing. Allele origin: germline. Affected: no.

The Shared Resource Centre "Genome", Research Centre for Medical Genetics
Classification: Pathogenic for Usher syndrome type 2A. Last evaluated: 2022-11-10. Review status: criteria provided, single submitter. Criteria: ACMG Guidelines, 2015. Collection method: clinical testing. Allele origin: germline. Affected: yes. Observed: 1 variant allele.

GeneDx
Classification: Pathogenic. Last evaluated: 2019-03-19. Review status: criteria provided, single submitter. Criteria: GeneDx Variant Classification (06012015). Collection method: clinical testing. Allele origin: germline. Affected: yes.
Comment: The Q4789X nonsense variant has not been published as a pathogenic variant, nor has it been reported as a benign variant to our knowledge. This variant is not observed in large population cohorts (Lek et al., 2016). The Q4789X variant in the USH2A gene is predicted to cause loss of normal protein function either through protein truncation or nonsense-mediated mRNA decay. We interpret Q4789X as a pathogenic variant.